The following is an entry in ClinVar:

NM_001692.4(ATP6V1B1):c.1144-1G>A

Gene: ATP6V1B1 (ATPase H+ transporting V1 subunit B1; plus strand). Cytogenetic location: 2p13.3.
Variant type: single nucleotide variant.
Coding change: c.1144-1G>A on transcript NM_001692.4 (MANE Select); the canonical splice acceptor site of the intron before coding-DNA position 1144, G replaced by A.
Molecular consequence: splice acceptor variant.
Genome position (GRCh38, 1-based): chr2:70,964,437, G>A. VCF-style: chr2-70964437-G-A. GRCh37 (hg19) VCF-style: chr2-71191567-G-A.
Identifiers: ClinVar variation 4814929 (VCV004814929.1).

ClinVar aggregate classification (germline): Likely pathogenic (1 of 4 stars; one submission).

Conditions:
Renal tubular acidosis with progressive nerve deafness. Also called: Distal Renal Tubular Acidosis with Progressive Sensorineural Deafness; renal tubular acidosis, distal, 2, with progressive sensorineural hearing loss; RENAL TUBULAR ACIDOSIS, AUTOSOMAL RECESSIVE, WITH PROGRESSIVE NERVE DEAFNESS; RTA WITH PROGRESSIVE NERVE DEAFNESS. Identifiers: MedGen C0403554, MONDO:0009968, OMIM 267300.

gnomAD v4.1: 1 of 1,613,876 alleles (0.000062%); highest among the groups gnomAD compares: African/African-American, 0.0013%; no homozygotes.

Submission:

Natera, Inc.
Classification: Likely pathogenic for Renal tubular acidosis with progressive nerve deafness. Last evaluated: 2026-01-27. Review status: criteria provided, single submitter. Criteria: Natera Variant Classification Schema (03/2026). Collection method: clinical testing. Allele origin: germline.
Comment: The c.1144-1G>A variant in ATP6V1B1 is a canonical splice acceptor site variant predicted to affect pre-mRNA splicing, which may result in an abnormal transcript and altered protein product. This variant is expected to result in nonsense mediated decay, truncation, or a dysfunctional protein product. This variant is rare in the general population with a frequency below the threshold expected for the associated phenotype(s). Given the available evidence, this variant is classified as Likely Pathogenic.